The following is an entry in ClinVar:

NM_001567.4(INPPL1):c.1072A>G (p.Thr358Ala)

Gene: INPPL1 (inositol polyphosphate phosphatase like 1; plus strand). Cytogenetic location: 11q13.4.
Variant type: single nucleotide variant.
Coding change: c.1072A>G on transcript NM_001567.4 (MANE Select); coding-DNA position 1072, A replaced by G.
Protein change: p.Thr358Ala; replaces threonine 358 with alanine.
Molecular consequence: missense variant.
Genome position (GRCh38, 1-based): chr11:72,230,253, A>G. VCF-style: chr11-72230253-A-G. GRCh37 (hg19) VCF-style: chr11-71941297-A-G.
Other names: c.1072A>G (NM_001567.3); short protein forms T358A.
Identifiers: ClinVar variation 1516803 (VCV001516803.6), dbSNP rs375104176, ClinGen allele CA6169877.

ClinVar aggregate classification (germline): Uncertain significance. Review status: criteria provided, multiple submitters, no conflicts (2 of 4 stars). 3 submissions from 3 submitters: Uncertain significance (3). Last evaluated 2026-09-09.

Conditions:
Inborn genetic diseases. Identifiers: MedGen C0950123, MeSH D030342.

Allele frequency attached by ClinVar (database versions not stated): ESP Exome Variant Server 0.00008; gnomAD 0.00013 and 0.00014; TOPMed 0.00018; ExAC 0.00022; gnomAD exomes 0.00022.
gnomAD v4.1: 510 of 1,607,498 alleles (0.032%); highest among the groups gnomAD compares: Non-Finnish European, 0.04%; no homozygotes.

Submissions (3):

GeneDx
Classification: Uncertain significance. Last evaluated: 2026-09-09. Review status: criteria provided, single submitter. Criteria: GeneDx Variant Classification Process June 2021. Collection method: clinical testing. Allele origin: germline.
Comment: In silico analysis suggests that this missense variant does not alter protein structure/function; Has not been previously published as pathogenic or benign to our knowledge

Ambry Genetics
Classification: Uncertain significance for Inborn genetic diseases. Last evaluated: 2024-05-30. Review status: criteria provided, single submitter. Criteria: Ambry Variant Classification Scheme 2023. Collection method: clinical testing. Allele origin: germline.

Labcorp Genetics (formerly Invitae), Labcorp
Classification: Uncertain significance. Last evaluated: 2022-07-12. Review status: criteria provided, single submitter. Criteria: Invitae Variant Classification Sherloc (09022015). Collection method: clinical testing. Allele origin: germline.
Comment: This sequence change replaces threonine, which is neutral and polar, with alanine, which is neutral and non-polar, at codon 358 of the INPPL1 protein (p.Thr358Ala). This variant is present in population databases (rs375104176, gnomAD 0.04%). This variant has not been reported in the literature in individuals affected with INPPL1-related conditions. ClinVar contains an entry for this variant (Variation ID: 1516803). Algorithms developed to predict the effect of missense changes on protein structure and function are either unavailable or do not agree on the potential impact of this missense change (SIFT: "Tolerated"; PolyPhen-2: "Possibly Damaging"; Align-GVGD: "Class C0"). In summary, the available evidence is currently insufficient to determine the role of this variant in disease. Therefore, it has been classified as a Variant of Uncertain Significance.